The following is an entry in ClinVar:

ClinVar aggregate classification (germline): Uncertain significance. Review status: criteria provided, single submitter (1 of 4 stars). 2 submissions from 2 submitters: Uncertain significance (1). 1 of the submissions does not count toward it. Last evaluated 2021-08-31.

Conditions:
Aicardi-Goutieres syndrome 5. Identifiers: Orphanet 51, MedGen C2749659, MONDO:0013059, OMIM 612952.
Aicardi Goutieres syndrome (AGS). Also called: Encephalopathy, familial infantile, with calcification of basal ganglia and chronic cerebrospinal fluid lymphocytosis. Identifiers: Orphanet 51, MedGen C0393591, MONDO:0018866.

Allele frequency attached by ClinVar (database versions not stated): TOPMed below 0.00001; ExAC 0.00002.
gnomAD v4.1: 10 of 1,614,148 alleles (0.00062%); highest among the groups gnomAD compares: Non-Finnish European, 0.00068%; no homozygotes.

Submissions (2):

Labcorp Genetics (formerly Invitae), Labcorp
Classification: Uncertain significance for Aicardi-Goutieres syndrome 5. Last evaluated: 2021-08-31. Review status: criteria provided, single submitter. Criteria: Invitae Variant Classification Sherloc (09022015). Collection method: clinical testing. Allele origin: germline.
Comment: This sequence change replaces glycine with arginine at codon 152 of the SAMHD1 protein (p.Gly152Arg). The glycine residue is moderately conserved and there is a moderate physicochemical difference between glycine and arginine. This variant is present in population databases (rs775844501, ExAC 0.003%). This variant has not been reported in the literature in individuals affected with SAMHD1-related conditions. Algorithms developed to predict the effect of missense changes on protein structure and function are either unavailable or do not agree on the potential impact of this missense change (SIFT: "Tolerated"; PolyPhen-2: "Possibly Damaging"; Align-GVGD: "Class C0"). In summary, the available evidence is currently insufficient to determine the role of this variant in disease. Therefore, it has been classified as a Variant of Uncertain Significance.

Natera, Inc.
Classification: Uncertain significance for Aicardi-Goutieres syndrome. Last evaluated: 2020-09-28. Review status: no assertion criteria provided. Collection method: clinical testing. Allele origin: germline. Not counted in ClinVar's aggregate classification.

NM_015474.4(SAMHD1):c.454G>C (p.Gly152Arg)

Gene: SAMHD1 (SAM and HD domain containing deoxynucleoside triphosphate triphosphohydrolase 1; minus strand). Cytogenetic location: 20q11.23.
Variant type: single nucleotide variant.
Coding change: c.454G>C on transcript NM_015474.4 (MANE Select); coding-DNA position 454, G replaced by C.
Protein change: p.Gly152Arg; replaces glycine 152 with arginine.
Molecular consequence: missense variant.
Genome position (GRCh38, 1-based): chr20:36,935,084, C>G on the plus strand (G>C on the coding strand, the complement: SAMHD1 is on the minus strand). VCF-style: chr20-36935084-C-G. GRCh37 (hg19) VCF-style: chr20-35563487-C-G.
Other names: c.454G>C, p.Gly152Arg (NM_001363729.2, NM_001363733.2); short protein forms G152R.
Identifiers: ClinVar variation 969744 (VCV000969744.8), dbSNP rs775844501, ClinGen allele CA9844736.